The following is an entry in ClinVar:

ClinVar aggregate classification (germline): Pathogenic/Likely pathogenic. Review status: criteria provided, multiple submitters, no conflicts (2 of 4 stars). 4 submissions from 4 submitters: Pathogenic (2); Likely pathogenic (2). Last evaluated 2025-09-10.

Conditions:
Joubert syndrome 25 (JBTS25). Identifiers: Orphanet 475, MedGen C4084842, MONDO:0014770, OMIM 616781.
Intellectual developmental disorder, autosomal recessive 77 (MRT77). Identifiers: MedGen C5774193, MONDO:0031031, OMIM 619988.
Joubert syndrome and related disorders. Identifiers: Orphanet 140874, MedGen C5679612, MONDO:0015369.

Submissions (4):

Genomic Medicine Center of Excellence, King Faisal Specialist Hospital and Research Centre
Classification: Pathogenic for Joubert syndrome 25. Last evaluated: 2025-09-10. Review status: criteria provided, single submitter. Criteria: ACMG Guidelines, 2015. Collection method: clinical testing. Allele origin: germline.

Fulgent Genetics
Classification: Likely pathogenic for Joubert syndrome 25; Intellectual developmental disorder, autosomal recessive 77. Last evaluated: 2024-04-15. Review status: criteria provided, single submitter. Criteria: ACMG Guidelines, 2015. Collection method: clinical testing. Allele origin: germline.

Victorian Clinical Genetics Services, Murdoch Childrens Research Institute
Classification: Pathogenic for Intellectual developmental disorder, autosomal recessive 77. Last evaluated: 2023-07-17. Review status: criteria provided, single submitter. Criteria: ACMG Guidelines, 2015. Collection method: clinical testing. Allele origin: germline. Affected: yes.
Comment: Based on the classification scheme VCGS_Germline_v1.3.4, this variant is classified as Pathogenic. Following criteria are met: 0102 - Loss of function is a known mechanism of disease in this gene and is associated with Joubert syndrome 25 (MIM#616781) and intellectual developmental disorder, autosomal recessive 77 (MIM#619988). (I) 0106 - This gene is associated with autosomal recessive disease. (I) 0201 - Variant is predicted to cause nonsense-mediated decay (NMD) and loss of protein (premature termination codon is located at least 54 nucleotides upstream of the final exon-exon junction). (SP) 0251 - This variant is heterozygous. (I) 0304 - Variant is present in gnomAD (v2) <0.01 for a recessive condition (2 heterozygotes, 0 homozygotes). (SP) 0701 - Other NMD predicted variants comparable to the one identified in this case have very strong previous evidence for pathogenicity (DECIPHER). (SP) 0803 - This variant has limited previous evidence of pathogenicity in unrelated individuals. This variant has been classified as likely pathogenic by a clinical laboratory in ClinVar, and as pathogenic in LOVD. (SP) 0905 - No published segregation evidence has been identified for this variant. (I) 1007 - No published functional evidence has been identified for this variant. (I) 1208 - Inheritance information for this variant is not currently available in this individual. (I) Legend: (SP) - Supporting pathogenic, (I) - Information, (SB) - Supporting benign

Women's Health and Genetics/Laboratory Corporation of America, LabCorp
Classification: Likely pathogenic for Joubert syndrome and related disorders. Last evaluated: 2022-02-21. Review status: criteria provided, single submitter. Criteria: LabCorp Variant Classification Summary - May 2015. Collection method: clinical testing. Allele origin: germline.
Comment: Variant summary: CEP104 c.1051_1054delACTA (p.Thr351PhefsX8) results in a premature termination codon, predicted to cause a truncation of the encoded protein or absence of the protein due to nonsense mediated decay, which are commonly known mechanisms for disease. The variant allele was found at a frequency of 8e-06 in 251372 control chromosomes (gnomAD). To our knowledge, no occurrence of c.1051_1054delACTA in individuals affected with Joubert Syndrome And Related Disorders and no experimental evidence demonstrating its impact on protein function have been reported. No clinical diagnostic laboratories have submitted clinical-significance assessments for this variant to ClinVar after 2014. Based on the evidence outlined above, the variant was classified as likely pathogenic.

NM_014704.4(CEP104):c.1051_1054del (p.Thr351fs)

Gene: CEP104 (centrosomal protein 104; minus strand). Cytogenetic location: 1p36.32.
Variant type: Deletion.
Coding change: c.1051_1054del on transcript NM_014704.4 (MANE Select); coding-DNA positions 1051 to 1054, 4 bases deleted (ACTA; older notation c.1051_1054delACTA).
Protein change: p.Thr351fs; shifts the reading frame from threonine 351.
Molecular consequence: frameshift variant.
Genome position (GRCh38, 1-based): chr1:3,837,357-3,837,360, TAGT deleted on the plus strand (ACTA on the coding strand, the reverse complement: CEP104 is on the minus strand); deleting any 4 consecutive bases within chr1:3,837,357-3,837,363 gives the same sequence; the c. name uses the placement nearest the transcript's 3' end. VCF-style (leftmost placement, unchanged base first): chr1-3837356-ATAGT-A. GRCh37 (hg19) VCF-style: chr1-3753920-ATAGT-A.
Other names: short protein forms T351fs.
Identifiers: ClinVar variation 1343654 (VCV001343654.5), dbSNP rs749829859, ClinGen allele CA551746.